The following is an entry in ClinVar:

NM_001009999.3(KDM1A):c.860A>G (p.Tyr287Cys)

Gene: KDM1A (lysine demethylase 1A; plus strand). Cytogenetic location: 1p36.12.
Variant type: single nucleotide variant.
Coding change: c.860A>G on transcript NM_001009999.3 (MANE Select); coding-DNA position 860, A replaced by G.
Protein change: p.Tyr287Cys; replaces tyrosine 287 with cysteine.
Molecular consequence: missense variant.
Genome position (GRCh38, 1-based): chr1:23,055,138, A>G. VCF-style: chr1-23055138-A-G. GRCh37 (hg19) VCF-style: chr1-23381631-A-G.
Other names: c.800A>G, p.Tyr267Cys (NM_001363654.2, NM_001410763.1, NM_015013.4); c.860A>G, p.Tyr287Cys (NM_001410762.1); short protein forms Y267C, Y287C.
Identifiers: ClinVar variation 4042070 (VCV004042070.1).

ClinVar aggregate classification (germline): Uncertain significance (1 of 4 stars; one submission).

Conditions:
Inborn genetic diseases. Identifiers: MedGen C0950123, MeSH D030342.

gnomAD v4.1: 7 of 1,610,818 alleles (0.00043%); highest among the groups gnomAD compares: African/African-American, 0.0027%; no homozygotes.

Submission:

Ambry Genetics
Classification: Uncertain significance for Inborn genetic diseases. Last evaluated: 2025-03-29. Review status: criteria provided, single submitter. Criteria: Ambry Variant Classification Scheme 2023. Collection method: clinical testing. Allele origin: germline.
Comment: The p.Y287C variant (also known as c.860A>G), located in coding exon 6 of the KDM1A gene, results from an A to G substitution at nucleotide position 860. The tyrosine at codon 287 is replaced by cysteine, an amino acid with highly dissimilar properties. This amino acid position is conserved. In addition, the in silico prediction for this alteration is inconclusive. Based on the available evidence, the clinical significance of this variant remains unclear.